The following is an entry in ClinVar:

NM_000718.4(CACNA1B):c.3229A>C (p.Ile1077Leu)

Gene: CACNA1B (calcium voltage-gated channel subunit alpha1 B; plus strand). Cytogenetic location: 9q34.3.
Variant type: single nucleotide variant.
Coding change: c.3229A>C on transcript NM_000718.4 (MANE Select); coding-DNA position 3229, A replaced by C.
Protein change: p.Ile1077Leu; replaces isoleucine 1077 with leucine.
Molecular consequence: missense variant.
Genome position (GRCh38, 1-based): chr9:138,025,115, A>C. VCF-style: chr9-138025115-A-C. GRCh37 (hg19) VCF-style: chr9-140919567-A-C.
Other names: c.3229A>C, p.Ile1077Leu (NM_001243812.2); short protein forms I1077L.
Identifiers: ClinVar variation 1420823 (VCV001420823.4), dbSNP rs763169082, ClinGen allele CA5376561.

ClinVar aggregate classification (germline): Uncertain significance (1 of 4 stars; one submission).

Allele frequency attached by ClinVar (database versions not stated): ExAC 0.00001; gnomAD 0.00001; gnomAD exomes 0.00001.
gnomAD v4.1: 6 of 1,613,334 alleles (0.00037%); highest among the groups gnomAD compares: African/African-American, 0.0053%; no homozygotes.

Submission:

Labcorp Genetics (formerly Invitae), Labcorp
Classification: Uncertain significance. Last evaluated: 2023-10-13. Review status: criteria provided, single submitter. Criteria: Invitae Variant Classification Sherloc (09022015). Collection method: clinical testing. Allele origin: germline.
Comment: This sequence change replaces isoleucine, which is neutral and non-polar, with leucine, which is neutral and non-polar, at codon 1077 of the CACNA1B protein (p.Ile1077Leu). This variant is present in population databases (rs763169082, gnomAD 0.01%). This variant has not been reported in the literature in individuals affected with CACNA1B-related conditions. ClinVar contains an entry for this variant (Variation ID: 1420823). Advanced modeling of protein sequence and biophysical properties (such as structural, functional, and spatial information, amino acid conservation, physicochemical variation, residue mobility, and thermodynamic stability) performed at Invitae indicates that this missense variant is not expected to disrupt CACNA1B protein function. In summary, the available evidence is currently insufficient to determine the role of this variant in disease. Therefore, it has been classified as a Variant of Uncertain Significance.